The following is an entry in ClinVar:

ClinVar aggregate classification (germline): Conflicting classifications of pathogenicity. Review status: criteria provided, conflicting classifications (1 of 4 stars). 5 submissions from 5 submitters: Uncertain significance (1); Likely benign (2). 2 of the submissions do not count toward it. Last evaluated 2026-08-01.

Conditions:
Niemann-Pick disease, type A. Also called: SPHINGOMYELIN LIPIDOSIS; SPHINGOMYELINASE DEFICIENCY; Infantile Neurovisceral ASMD (Niemann-Pick Disease Type A; NPD-A). Identifiers: Orphanet 77292, MedGen C0268242, MONDO:0009756, OMIM 257200. Disease mechanism: loss of function.
Niemann-Pick disease, type B. Also called: Chronic Visceral ASMD (Niemann-Pick Disease Type B; NPD-B). Identifiers: Orphanet 77293, MedGen C0268243, MONDO:0011871, OMIM 607616. Disease mechanism: loss of function.
SMPD1-related disorder. Also called: SMPD1-related condition.

Allele frequency attached by ClinVar (database versions not stated): ExAC 0.00004; gnomAD exomes 0.00004 and 0.00006; gnomAD 0.00011; TOPMed 0.00015; 1000 Genomes Project 30x 0.00047; 1000 Genomes Project 0.00060.
gnomAD v4.1: 75 of 1,614,168 alleles (0.0046%); highest among the groups gnomAD compares: Middle Eastern, 0.033%; no homozygotes.

Submissions (5):

CeGaT Center for Human Genetics Tuebingen
Classification: Likely benign. Last evaluated: 2026-08-01. Review status: criteria provided, single submitter. Criteria: CeGaT Center For Human Genetics Tuebingen Variant Classification Criteria Version 2. Collection method: clinical testing. Allele origin: germline. Affected: yes. Observed: 1 variant allele.
Comment: SMPD1: BP4, BP7

Labcorp Genetics (formerly Invitae), Labcorp
Classification: Likely benign for Niemann-Pick disease, type B; Niemann-Pick disease, type A. Last evaluated: 2026-01-28. Review status: criteria provided, single submitter. Criteria: Invitae Variant Classification Sherloc (09022015). Collection method: clinical testing. Allele origin: germline.

Illumina Laboratory Services, Illumina
Classification: Uncertain significance for Niemann-Pick disease, type A. Last evaluated: 2018-01-15. Review status: criteria provided, single submitter. Criteria: ICSL Variant Classification Criteria 13 December 2019. Collection method: clinical testing. Allele origin: germline.

PreventionGenetics, part of Exact Sciences
Classification: Likely benign for SMPD1-related condition. Last evaluated: 2019-07-15. Review status: no assertion criteria provided. Collection method: clinical testing. Allele origin: germline. Not counted in ClinVar's aggregate classification.
Comment: This variant is classified as likely benign based on ACMG/AMP sequence variant interpretation guidelines (Richards et al. 2015 PMID: 25741868, with internal and published modifications).

Natera, Inc.
Classification: Likely benign for Niemann-Pick Disease, Types A/B. Last evaluated: 2017-05-05. Review status: no assertion criteria provided. Collection method: clinical testing. Allele origin: germline. Not counted in ClinVar's aggregate classification.

NM_000543.5(SMPD1):c.909A>G (p.Ala303=)

Gene: SMPD1 (sphingomyelin phosphodiesterase 1; plus strand). Cytogenetic location: 11p15.4.
Variant type: single nucleotide variant.
Coding change: c.909A>G on transcript NM_000543.5 (MANE Select); coding-DNA position 909, A replaced by G.
Protein change: p.Ala303=; no amino-acid change (alanine 303 retained).
Molecular consequence: synonymous variant. On other transcripts: 5 prime UTR variant (1), non-coding transcript variant (1).
Genome position (GRCh38, 1-based): chr11:6,391,974, A>G. VCF-style: chr11-6391974-A-G. GRCh37 (hg19) VCF-style: chr11-6413204-A-G.
Other names: c.906A>G, p.Ala302= (NM_001007593.3); c.909A>G, p.Ala303= (NM_001318087.2, NM_001365135.2); c.-53A>G (NM_001318088.2).
Identifiers: ClinVar variation 712836 (VCV000712836.22), dbSNP rs201134693, ClinGen allele CA5852709.